The following is an entry in ClinVar:

NM_032119.4(ADGRV1):c.17756-17C>G

Gene: ADGRV1 (adhesion G protein-coupled receptor V1; plus strand). Cytogenetic location: 5q14.3.
Variant type: single nucleotide variant.
Coding change: c.17756-17C>G on transcript NM_032119.4 (MANE Select); 17 bases into the intron before coding-DNA position 17756, C replaced by G.
Molecular consequence: intron variant.
Genome position (GRCh38, 1-based): chr5:90,863,740, C>G. VCF-style: chr5-90863740-C-G. GRCh37 (hg19) VCF-style: chr5-90159557-C-G.
Identifiers: ClinVar variation 1902974 (VCV001902974.2), dbSNP rs771810874, ClinGen allele CA561217952.

ClinVar aggregate classification (germline): Uncertain significance (1 of 4 stars; one submission).

Allele frequency attached by ClinVar (database versions not stated): TOPMed 0.00001.
gnomAD v4.1: 37 of 1,575,982 alleles (0.0023%); highest among the groups gnomAD compares: Non-Finnish European, 0.0032%; no homozygotes.

Submission:

Labcorp Genetics (formerly Invitae), Labcorp
Classification: Uncertain significance. Last evaluated: 2022-03-09. Review status: criteria provided, single submitter. Criteria: Invitae Variant Classification Sherloc (09022015). Collection method: clinical testing. Allele origin: germline.
Comment: This sequence change falls in intron 82 of the ADGRV1 gene. It does not directly change the encoded amino acid sequence of the ADGRV1 protein. This variant is present in population databases (no rsID available, gnomAD 0.003%). This variant has not been reported in the literature in individuals affected with ADGRV1-related conditions. Algorithms developed to predict the effect of sequence changes on RNA splicing suggest that this variant may disrupt the consensus splice site. In summary, the available evidence is currently insufficient to determine the role of this variant in disease. Therefore, it has been classified as a Variant of Uncertain Significance.